The following is an entry in ClinVar:

NM_000218.3(KCNQ1):c.1394-18071dup

Genes: KCNQ1 (potassium voltage-gated channel subfamily Q member 1; plus strand), KCNQ1OT1 (KCNQ1 opposite strand/antisense transcript 1; minus strand). Cytogenetic location: 11p15.5.
Variant type: Duplication.
Coding change: c.1394-18071dup on transcript NM_000218.3 (MANE Select); 18071 bases into the intron before coding-DNA position 1394, one base duplicated (T; older notation c.1394-18071dupT).
Molecular consequence: intron variant. On other transcripts: non-coding transcript variant (1).
Genome position (GRCh38, 1-based): chr11:2,643,890, T duplicated; the last of 5 consecutive T bases (chr11:2,643,886-2,643,890); duplicating any one gives the same sequence. VCF-style (leftmost placement, unchanged base first): chr11-2643885-G-GT. GRCh37 (hg19) VCF-style: chr11-2665115-G-GT.
Other names: c.1124-18071dup (NM_001406837.1); c.1298-18071dup (NM_001406836.1); c.854-18071dup (NM_001406838.1); c.1013-18071dup (NM_181798.2).
Identifiers: ClinVar variation 3059903 (VCV003059903.2), dbSNP rs1046441105, ClinGen allele CA216156445.

ClinVar aggregate classification (germline): Likely benign (0 of 4 stars; one submission).

Conditions:
KCNQ1-related disorder. Also called: KCNQ1-related condition; KCNQ1-related disorders. Identifiers: MedGen CN239322.

Submission:

PreventionGenetics, part of Exact Sciences
Classification: Likely benign for KCNQ1-related condition. Last evaluated: 2023-04-24. Review status: no assertion criteria provided. Collection method: clinical testing. Allele origin: germline.
Comment: This variant is classified as likely benign based on ACMG/AMP sequence variant interpretation guidelines (Richards et al. 2015 PMID: 25741868, with internal and published modifications).